The following is an entry in ClinVar:

NM_007294.4(BRCA1):c.4698_4704del (p.Gly1567fs)

Gene: BRCA1 (BRCA1 DNA repair associated; minus strand). Cytogenetic location: 17q21.31.
Variant type: Microsatellite.
Coding change: c.4698_4704del on transcript NM_007294.4 (MANE Select); coding-DNA positions 4698 to 4704, 7 bases deleted (TGGAATC; older notation c.4698_4704delTGGAATC).
Protein change: p.Gly1567fs; shifts the reading frame from glycine 1567.
Molecular consequence: frameshift variant. On other transcripts: intron variant (1).
Genome position (GRCh38, 1-based): chr17:43,071,210-43,071,216, GATTCCA deleted on the plus strand (TGGAATC on the coding strand, the reverse complement: BRCA1 is on the minus strand); deleting any 7 consecutive bases within chr17:43,071,210-43,071,224 gives the same sequence; the c. name uses the placement nearest the transcript's 3' end. VCF-style (leftmost placement, unchanged base first): chr17-43071209-TGATTCCA-T. GRCh37 (hg19) VCF-style: chr17-41223226-TGATTCCA-T.
Other names: c.4692_4698del, p.Gly1565fs (NM_001407641.1, NM_001407642.1, NM_001407627.1 and 14 more transcripts); c.4638_4644del, p.Gly1547fs (NM_001407649.1); c.4689_4695del, p.Gly1564fs (NM_001407645.1, NM_001407644.1); c.4686_4692del, p.Gly1563fs (NM_001407646.1); c.4683_4689del, p.Gly1562fs (NM_001407647.1); c.4641_4647del, p.Gly1548fs (NM_001407648.1); c.1308_1314del, p.Gly437fs (NM_001408416.1, NM_001408412.1, NM_001408413.1 and 2 more transcripts); c.1272_1278del, p.Gly425fs (NM_001408418.1, NM_001408419.1, NM_001408420.1); and 71 more; short protein forms G1271fs, G1398fs, G1440fs, G1478fs, G1495fs, G1518fs, G1540fs, G1547fs.
Identifiers: ClinVar variation 4712217 (VCV004712217.1).

ClinVar aggregate classification (germline): Pathogenic (1 of 4 stars; one submission).

Conditions:
Hereditary breast ovarian cancer syndrome. Also called: BRCA1- and BRCA2-Associated Hereditary Breast and Ovarian Cancer; Breast and ovarian cancer; Hereditary breast and ovarian cancer syndrome; Hereditary breast and ovarian cancer syndrome (HBOC); Hereditary breast and/or ovarian cancer syndrome; Hereditary breast and ovarian cancer. Identifiers: Orphanet 145, MedGen C0677776, MeSH D061325, MONDO:0003582. Disease mechanism: loss of function.

Submission:

Labcorp Genetics (formerly Invitae), Labcorp
Classification: Pathogenic for Hereditary breast ovarian cancer syndrome. Last evaluated: 2025-02-03. Review status: criteria provided, single submitter. Criteria: Invitae Variant Classification Sherloc (09022015). Collection method: clinical testing. Allele origin: germline.
Comment: This sequence change creates a premature translational stop signal (p.Gly1567Alafs*32) in the BRCA1 gene. It is expected to result in an absent or disrupted protein product. Loss-of-function variants in BRCA1 are known to be pathogenic (PMID: 20104584). This variant is not present in population databases (gnomAD no frequency). This variant has not been reported in the literature in individuals affected with BRCA1-related conditions. For these reasons, this variant has been classified as Pathogenic.

Literature cited by the submitters: PubMed 20104584.